The following is an entry in ClinVar:

NM_001009944.3(PKD1):c.11682C>T (p.Ser3894=)

Genes: PKD1 (polycystin 1, transient receptor potential channel interacting; minus strand), PKD1-AS1 (PKD1 antisense RNA 1; plus strand). Cytogenetic location: 16p13.3.
Variant type: single nucleotide variant.
Coding change: c.11682C>T on transcript NM_001009944.3 (MANE Select); coding-DNA position 11682, C replaced by T.
Protein change: p.Ser3894=; no amino-acid change (serine 3894 retained).
Molecular consequence: synonymous variant. On other transcripts: non-coding transcript variant (1).
Genome position (GRCh38, 1-based): chr16:2,091,453, G>A on the plus strand (C>T on the coding strand, the complement: PKD1 is on the minus strand). VCF-style: chr16-2091453-G-A. GRCh37 (hg19) VCF-style: chr16-2141454-G-A.
Other names: p.Ser3894=; c.11679C>T, p.Ser3893= (NM_000296.4).
Identifiers: ClinVar variation 256908 (VCV000256908.22), dbSNP rs567482892, ClinGen allele CA7829015.

ClinVar aggregate classification (germline): Benign. Review status: criteria provided, multiple submitters, no conflicts (2 of 4 stars). 11 submissions from 11 submitters: Benign (8). 3 of the submissions do not count toward it. Last evaluated 2025-04-25.

Conditions:
Polycystic kidney disease, adult type (PKD1). Also called: Polycystic Kidney, Autosomal Dominant; Polycystic Kidney Disease 1, Autosomal Dominant; Polycystic kidney disease 1; Polycystic kidney disease 1, severe; POLYCYSTIC KIDNEY DISEASE 1 WITH OR WITHOUT POLYCYSTIC LIVER DISEASE; POLYCYSTIC KIDNEY DISEASE, ADULT, TYPE I. Identifiers: MedGen C3149841, MONDO:0008263, OMIM 173900.
Polycystic kidney disease. Also called: Polycystic kidney dysplasia; Kidney, Polycystic. Identifiers: MedGen C0022680, MeSH D007690, MONDO:0020642, HP:0000113.

Allele frequency attached by ClinVar (database versions not stated): 1000 Genomes Project 0.00419; 1000 Genomes Project 30x 0.00578; TOPMed 0.01086; gnomAD 0.01187 and 0.01235; ExAC 0.01732; gnomAD exomes 0.01793.
gnomAD v4.1: 24,156 of 1,236,480 alleles (2%); highest among the groups gnomAD compares: Non-Finnish European, 2.2%; 308 homozygotes.

Submissions (11):

Women's Health and Genetics/Laboratory Corporation of America, LabCorp
Classification: Benign. Last evaluated: 2025-04-25. Review status: criteria provided, single submitter. Criteria: LabCorp Variant Classification Summary - May 2015. Collection method: clinical testing. Allele origin: germline.

Blueprint Genetics
Classification: Benign. Last evaluated: 2024-11-27. Review status: criteria provided, single submitter. Criteria: ACMG Guidelines, 2015. Collection method: clinical testing. Allele origin: germline.

Mayo Clinic Laboratories, Mayo Clinic
Classification: Benign. Last evaluated: 2023-09-27. Review status: criteria provided, single submitter. Criteria: ACMG Guidelines, 2015. Collection method: clinical testing. Allele origin: germline. Observed: 7 variant alleles.
Comment: BA1, BP4, BP7

GeneDx
Classification: Benign. Last evaluated: 2020-10-22. Review status: criteria provided, single submitter. Criteria: GeneDx Variant Classification Process June 2021. Collection method: clinical testing. Allele origin: germline. Affected: yes.
Comment: This variant is associated with the following publications: (PMID: 15772804, 17574468, 18837007, 22008521, 22383692, 24374109)

ARUP Laboratories, Molecular Genetics and Genomics, ARUP Laboratories
Classification: Benign for Polycystic kidney disease, adult type. Last evaluated: 2018-09-25. Review status: criteria provided, single submitter. Criteria: ARUP Molecular Germline Variant Investigation Process. Collection method: clinical testing. Allele origin: germline.

Athena Diagnostics
Classification: Benign for Polycystic kidney disease, adult type. Last evaluated: 2017-05-30. Review status: criteria provided, single submitter. Criteria: Athena Diagnostics Criteria. Collection method: clinical testing. Allele origin: germline.

Breakthrough Genomics
Classification: Benign. Review status: criteria provided, single submitter. Criteria: ACMG Guidelines, 2015. Collection method: not provided. Allele origin: germline. Inheritance: Autosomal dominant inheritance. Affected: yes.

PreventionGenetics, part of Exact Sciences
Classification: Benign. Review status: criteria provided, single submitter. Criteria: ACMG Guidelines, 2015. Collection method: clinical testing. Allele origin: germline.

Department of Pathology and Laboratory Medicine, Sinai Health System
Classification: Benign for Polycystic Kidney disease. Review status: no assertion criteria provided. Collection method: clinical testing. Allele origin: unknown. Affected: yes. Study: The Canadian Open Genetics Repository (COGR). Not counted in ClinVar's aggregate classification.
Comment: The PKD1 p.Ser3894Ser variant was identified in 11 of 1112 proband chromosomes (frequency: 0.01) from individuals or families with ADPKD (Bataille 2011, Garcia-Gonzalez 2007, Rossetti 2012, Peltola 2005). The variant was also identified in dbSNP (ID: rs567482892) as â€šÃ„ÃºN/Aâ€šÃ„Ã¹ and the ADPKD Mutation Database (as likely neutral). This variant was identified in the 1000 Genomes Project in 21 of 5000 chromosomes (frequency: 0.004), the Exome Aggregation Consortium database (August 8, 2016) in 8 (1 homozygous) of 462 chromosomes (freq. 0.02) in the following populations: European in 5 of 40 chromosomes (freq. 0.13), Finnish in 1 of 2 chromosomes (freq. 0.5), Latino in 1 of 10 chromosomes (freq. 0.1), South Asian in 1 of 398 chromosomes (freq. 0.003), although this low number of observations and low frequency is not substantive enough to determine the prevalence of the variant in the general population and its relationship to disease. The p.Ser3894Ser variant is not expected to have clinical significance because it does not result in a change of amino acid and is not located in a known consensus splice site. The variant occurs outside of the splicing consensus sequence and 3 of 5 in silico or computational prediction software programs (SpliceSiteFinder, MaxEntScan, NNSPLICE, GeneSplicer, HumanSpliceFinder) predict a greater than 10% difference in splicing. However, this information is not predictive enough to assume pathogenicity. In addition, the variant classified as a polymorphism by number of population and research studies (Bataille 2011, Garcia-Gonzalez 2007, Rossetti 2012, Peltola 2005). In summary, based on the above information, this variant meets our laboratory criteria to be classified as benign.

Joint Genome Diagnostic Labs from Nijmegen and Maastricht, Radboudumc and MUMC+
Classification: Benign. Review status: no assertion criteria provided. Collection method: clinical testing. Allele origin: germline. Affected: yes. Study: VKGL Data-share Consensus. Not counted in ClinVar's aggregate classification.

Laboratory of Diagnostic Genome Analysis, Leiden University Medical Center (LUMC)
Classification: Benign. Review status: no assertion criteria provided. Collection method: clinical testing. Allele origin: germline. Affected: yes. Study: VKGL Data-share Consensus. Not counted in ClinVar's aggregate classification.

Literature cited by the submitters: PubMed 24374109 (cited by Athena Diagnostics); PubMed 18837007 (cited by Athena Diagnostics); PubMed 15772804 (cited by Athena Diagnostics).